The following is an entry in ClinVar:

NM_001035.3(RYR2):c.1476+4C>A

Gene: RYR2 (ryanodine receptor 2; plus strand). Cytogenetic location: 1q43.
Variant type: single nucleotide variant.
Coding change: c.1476+4C>A on transcript NM_001035.3 (MANE Select); 4 bases into the intron after coding-DNA position 1476, C replaced by A.
Molecular consequence: intron variant.
Genome position (GRCh38, 1-based): chr1:237,454,578, C>A. VCF-style: chr1-237454578-C-A. GRCh37 (hg19) VCF-style: chr1-237617878-C-A.
Identifiers: ClinVar variation 1390890 (VCV001390890.7), dbSNP rs369442980, ClinGen allele CA2526329468.
Genomic context (GRCh38, chr1:237,454,578, plus strand): 5'-GACAAACAGAACAGACTACGAGCCCTGAAGAATCGGCAAAATCTCTTCCAGGAAGAGGTC[C>A]GTTTCTATCAACACTCATTTCTCTTCTGTTATTCTCTTGTAAAAACAGCTTCTTGGTTGG-3'

ClinVar aggregate classification (germline): Uncertain significance (1 of 4 stars; one submission).

Conditions:
Catecholaminergic polymorphic ventricular tachycardia 1. Also called: VENTRICULAR TACHYCARDIA, CATECHOLAMINERGIC POLYMORPHIC, 1, WITH OR WITHOUT ATRIAL DYSFUNCTION AND/OR DILATED CARDIOMYOPATHY; VENTRICULAR TACHYCARDIA, STRESS-INDUCED POLYMORPHIC 1; RYR2-Related Catecholaminergic Polymorphic Ventricular Tachycardia. Identifiers: Orphanet 3286, MedGen C1631597, MONDO:0011484, OMIM 604772.

Submission:

Labcorp Genetics (formerly Invitae), Labcorp
Classification: Uncertain significance for Catecholaminergic polymorphic ventricular tachycardia 1. Last evaluated: 2021-10-19. Review status: criteria provided, single submitter. Criteria: Invitae Variant Classification Sherloc (09022015). Collection method: clinical testing. Allele origin: germline.
Comment: This sequence change falls in intron 15 of the RYR2 gene. It does not directly change the encoded amino acid sequence of the RYR2 protein. It affects a nucleotide within the consensus splice site. This variant is not present in population databases (ExAC no frequency). This variant has not been reported in the literature in individuals affected with RYR2-related conditions. Variants that disrupt the consensus splice site are a relatively common cause of aberrant splicing (PMID: 17576681, 9536098). Algorithms developed to predict the effect of sequence changes on RNA splicing suggest that this variant may create or strengthen a splice site. In summary, the available evidence is currently insufficient to determine the role of this variant in disease. Therefore, it has been classified as a Variant of Uncertain Significance.

Literature cited by the submitters: PubMed 17576681; PubMed 9536098.